The following is an entry in ClinVar:

ClinVar aggregate classification (germline): Uncertain significance (1 of 4 stars; one submission).

Conditions:
Glycogen storage disease due to lactate dehydrogenase M-subunit deficiency (GSD11). Also called: Glycogen storage disease XI; GSD XI; LACTATE DEHYDROGENASE A DEFICIENCY. Identifiers: Orphanet 284426, MedGen C2931743, MONDO:0013047, OMIM 612933.

Allele frequency attached by ClinVar (database versions not stated): gnomAD exomes below 0.00001; TOPMed below 0.00001.
gnomAD v4.1: 1 of 1,613,406 alleles (0.000062%); highest among the groups gnomAD compares: Non-Finnish European, 0.000085%; no homozygotes.

Submission:

Labcorp Genetics (formerly Invitae), Labcorp
Classification: Uncertain significance for Glycogen storage disease due to lactate dehydrogenase M-subunit deficiency. Last evaluated: 2023-08-04. Review status: criteria provided, single submitter. Criteria: Invitae Variant Classification Sherloc (09022015). Collection method: clinical testing. Allele origin: germline.
Comment: ClinVar contains an entry for this variant (Variation ID: 1517920). In summary, the available evidence is currently insufficient to determine the role of this variant in disease. Therefore, it has been classified as a Variant of Uncertain Significance. Advanced modeling of protein sequence and biophysical properties (such as structural, functional, and spatial information, amino acid conservation, physicochemical variation, residue mobility, and thermodynamic stability) performed at Invitae indicates that this missense variant is not expected to disrupt LDHA protein function. This variant has not been reported in the literature in individuals affected with LDHA-related conditions. This variant is not present in population databases (gnomAD no frequency). This sequence change replaces threonine, which is neutral and polar, with proline, which is neutral and non-polar, at codon 309 of the LDHA protein (p.Thr309Pro).

NM_005566.4(LDHA):c.925A>C (p.Thr309Pro)

Gene: LDHA (lactate dehydrogenase A; plus strand). Cytogenetic location: 11p15.1.
Variant type: single nucleotide variant.
Coding change: c.925A>C on transcript NM_005566.4 (MANE Select); coding-DNA position 925, A replaced by C.
Protein change: p.Thr309Pro; replaces threonine 309 with proline.
Molecular consequence: missense variant. On other transcripts: 3 prime UTR variant (1), non-coding transcript variant (1), intron variant (1).
Genome position (GRCh38, 1-based): chr11:18,407,207, A>C. VCF-style: chr11-18407207-A-C. GRCh37 (hg19) VCF-style: chr11-18428754-A-C.
Other names: c.751A>C, p.Thr251Pro (NM_001135239.2); c.1012A>C, p.Thr338Pro (NM_001165414.2); c.*75A>C (NM_001165416.2); c.688-32A>C (NM_001165415.2); short protein forms T251P, T309P, T338P.
Identifiers: ClinVar variation 1517920 (VCV001517920.6), dbSNP rs1866719004, ClinGen allele CA379508900.
Genomic context (GRCh38, chr11:18,407,207, plus strand): 5'-CTTAGTGTTCCTTGCATTTTGGGACAGAATGGAATCTCAGACCTTGTGAAGGTGACTCTG[A>C]CTTCTGAGGAAGAGGCCCGTTTGAAGAAGAGTGCAGATACACTTTGGGGGATCCAAAAGG-3'
Protein context (NP_005557.1, residues 299-319): GISDLVKVTL[Thr309Pro]SEEEARLKKS